The following is an entry in ClinVar:

ClinVar aggregate classification (germline): Uncertain significance (1 of 4 stars; one submission).

Conditions:
Left ventricular noncompaction 8 (LVNC8). Identifiers: Orphanet 154, Orphanet 54260, MedGen C3809288, MONDO:0014152, OMIM 615373.

Submission:

Labcorp Genetics (formerly Invitae), Labcorp
Classification: Uncertain significance for Left ventricular noncompaction 8. Last evaluated: 2023-12-06. Review status: criteria provided, single submitter. Criteria: Invitae Variant Classification Sherloc (09022015). Collection method: clinical testing. Allele origin: germline.
Comment: This sequence change replaces lysine, which is basic and polar, with glutamic acid, which is acidic and polar, at codon 195 of the PRDM16 protein (p.Lys195Glu). This variant is not present in population databases (gnomAD no frequency). This variant has not been reported in the literature in individuals affected with PRDM16-related conditions. An algorithm developed to predict the effect of missense changes on protein structure and function (PolyPhen-2) suggests that this variant is likely to be disruptive. In summary, the available evidence is currently insufficient to determine the role of this variant in disease. Therefore, it has been classified as a Variant of Uncertain Significance.

NM_022114.4(PRDM16):c.583A>G (p.Lys195Glu)

Gene: PRDM16 (PR/SET domain 16; plus strand). Cytogenetic location: 1p36.32.
Variant type: single nucleotide variant.
Coding change: c.583A>G on transcript NM_022114.4 (MANE Select); coding-DNA position 583, A replaced by G.
Protein change: p.Lys195Glu; replaces lysine 195 with glutamic acid.
Molecular consequence: missense variant.
Genome position (GRCh38, 1-based): chr1:3,396,500, A>G. VCF-style: chr1-3396500-A-G. GRCh37 (hg19) VCF-style: chr1-3313064-A-G.
Other names: c.583A>G, p.Lys195Glu (NM_199454.3); short protein forms K195E.
Identifiers: ClinVar variation 2903099 (VCV002903099.3), dbSNP rs2523808836, ClinGen allele CA338001886.